The following is an entry in ClinVar:

NM_000891.3(KCNJ2):c.1035C>T (p.His345=)

Gene: KCNJ2 (potassium inwardly rectifying channel subfamily J member 2; plus strand). Cytogenetic location: 17q24.3.
Variant type: single nucleotide variant.
Coding change: c.1035C>T on transcript NM_000891.3 (MANE Select); coding-DNA position 1035, C replaced by T.
Protein change: p.His345=; no amino-acid change (histidine 345 retained).
Molecular consequence: synonymous variant.
Genome position (GRCh38, 1-based): chr17:70,176,074, C>T. VCF-style: chr17-70176074-C-T. GRCh37 (hg19) VCF-style: chr17-68172215-C-T.
Other names: p.H345H:CAC>CAT.
Identifiers: ClinVar variation 137986 (VCV000137986.43), dbSNP rs201747514, ClinGen allele CA291739.

ClinVar aggregate classification (germline): Benign/Likely benign. Review status: criteria provided, multiple submitters, no conflicts (2 of 4 stars). 5 submissions from 5 submitters: Benign (2); Likely benign (2). 1 of the submissions does not count toward it. Last evaluated 2025-12-29.

Conditions:
KCNJ2-related disorder. Also called: KCNJ2-related condition.
Cardiovascular phenotype. Identifiers: MedGen CN230736.
Short QT syndrome type 3. Identifiers: Orphanet 51083, MedGen C1865018, MONDO:0012314, OMIM 609622.
Andersen Tawil syndrome (LQT7). Also called: Andersen Syndrome; Potassium-sensitive periodic paralysis, ventricular ectopy, and dysmorphic features; PERIODIC PARALYSIS, POTASSIUM-SENSITIVE CARDIODYSRHYTHMIC TYPE; LONG QT SYNDROME 7; ANDERSEN CARDIODYSRHYTHMIC PERIODIC PARALYSIS. Identifiers: Orphanet 37553, MedGen C1563715, MONDO:0008222, OMIM 170390.

Allele frequency attached by ClinVar (database versions not stated): gnomAD 0.00001 and 0.00028; TOPMed 0.00007; gnomAD exomes 0.00059 and 0.00119; ExAC 0.00135; 1000 Genomes Project 0.00140; 1000 Genomes Project 30x 0.00141.

Submissions (5):

Labcorp Genetics (formerly Invitae), Labcorp
Classification: Benign for Short QT syndrome type 3; Andersen Tawil syndrome. Last evaluated: 2025-12-29. Review status: criteria provided, single submitter. Criteria: Invitae Variant Classification Sherloc (09022015). Collection method: clinical testing. Allele origin: germline.

CeGaT Center for Human Genetics Tuebingen
Classification: Likely benign. Last evaluated: 2022-11-01. Review status: criteria provided, single submitter. Criteria: CeGaT Center For Human Genetics Tuebingen Variant Classification Criteria Version 2. Collection method: clinical testing. Allele origin: germline. Affected: yes. Observed: 1 variant allele.
Comment: KCNJ2: BP4, BP7, BS2

Ambry Genetics
Classification: Likely benign for Cardiovascular phenotype. Last evaluated: 2018-06-07. Review status: criteria provided, single submitter. Criteria: Ambry Variant Classification Scheme 2023. Collection method: clinical testing. Allele origin: germline.

GeneDx
Classification: Benign. Last evaluated: 2013-01-16. Review status: criteria provided, single submitter. Criteria: GeneDx Variant Classification (06012015). Collection method: clinical testing. Allele origin: germline. Affected: yes.
Comment: This variant is considered likely benign or benign based on one or more of the following criteria: it is a conservative change, it occurs at a poorly conserved position in the protein, it is predicted to be benign by multiple in silico algorithms, and/or has population frequency not consistent with disease.

PreventionGenetics, part of Exact Sciences
Classification: Benign for KCNJ2-related condition. Last evaluated: 2019-02-22. Review status: no assertion criteria provided. Collection method: clinical testing. Allele origin: germline. Not counted in ClinVar's aggregate classification.
Comment: This variant is classified as benign based on ACMG/AMP sequence variant interpretation guidelines (Richards et al. 2015 PMID: 25741868, with internal and published modifications).